The following is an entry in ClinVar:

NM_007289.4(MME):c.2238del (p.Lys746fs)

Gene: MME (membrane metalloendopeptidase; plus strand). Cytogenetic location: 3q25.2.
Variant type: Deletion.
Coding change: c.2238del on transcript NM_007289.4 (MANE Select); coding-DNA position 2238, one base deleted (G; older notation c.2238delG).
Protein change: p.Lys746fs; shifts the reading frame from lysine 746.
Molecular consequence: frameshift variant.
Genome position (GRCh38, 1-based): chr3:155,180,444, G deleted. VCF-style (leftmost placement, unchanged base first): chr3-155180443-AG-A. GRCh37 (hg19) VCF-style: chr3-154898232-AG-A.
Other names: c.2238del, p.Lys746fs (NM_000902.5, NM_001354642.2, NM_001354643.1 and 2 more transcripts); short protein forms K746fs.
Identifiers: ClinVar variation 1486629 (VCV001486629.6), dbSNP rs2108392781, ClinGen allele CA2573136725.

ClinVar aggregate classification (germline): Uncertain significance (1 of 4 stars; one submission).

Submission:

Labcorp Genetics (formerly Invitae), Labcorp
Classification: Uncertain significance. Last evaluated: 2022-04-28. Review status: criteria provided, single submitter. Criteria: Invitae Variant Classification Sherloc (09022015). Collection method: clinical testing. Allele origin: germline.
Comment: This variant is not present in population databases (gnomAD no frequency). In summary, the available evidence is currently insufficient to determine the role of this variant in disease. Therefore, it has been classified as a Variant of Uncertain Significance. This variant results in an extension of the MME protein. Other variant(s) that result in a similarly extended protein product (p.Trp750Glyfs*24) have been observed in individuals with MME-related disease (PMID: 30415211). This suggests that these extensions may be clinically significant. This variant has not been reported in the literature in individuals affected with MME-related conditions. This sequence change results in a frameshift in the MME gene (p.Lys746Asnfs*28). While this is not anticipated to result in nonsense mediated decay, it is expected to disrupt the last 5 amino acid(s) of the MME protein and extend the protein by 22 additional amino acid residues.

Literature cited by the submitters: PubMed 30415211.